The following is an entry in ClinVar:

ClinVar aggregate classification (germline): Conflicting classifications of pathogenicity. Review status: criteria provided, conflicting classifications (1 of 4 stars). 3 submissions from 3 submitters: Uncertain significance (2); Likely benign (1). Last evaluated 2025-05-16.

Conditions:
Hereditary breast ovarian cancer syndrome. Also called: Hereditary breast and ovarian cancer syndrome; Breast and ovarian cancer; Hereditary breast and/or ovarian cancer syndrome; Hereditary breast and ovarian cancer syndrome (HBOC); BRCA1- and BRCA2-Associated Hereditary Breast and Ovarian Cancer; Hereditary breast and ovarian cancer. Identifiers: Orphanet 145, MedGen C0677776, MeSH D061325, MONDO:0003582. Disease mechanism: loss of function.
Prostate cancer. Also called: Malignant tumor of prostate. Identifiers: Orphanet 1331, MedGen C0376358, MONDO:0008315, HP:0012125.
Familial cancer of breast. Also called: BREAST CANCER, FAMILIAL; Hereditary breast cancer; hereditary breast carcinoma. Identifiers: Orphanet 227535, MedGen C0346153, MONDO:0016419, OMIM 114480. Disease mechanism: loss of function.
Breast-ovarian cancer, familial, susceptibility to, 2 (BROVCA2). Also called: BRCA2 Hereditary Breast and Ovarian Cancer. Identifiers: Orphanet 145, MedGen C2675520, MONDO:0012933, OMIM 612555. Disease mechanism: loss of function.
Fanconi anemia complementation group D1. Also called: BRCA2-Related Fanconi Anemia. Identifiers: Orphanet 319462, MedGen C1838457, MONDO:0011584, OMIM 605724.
BRCA2-related cancer predisposition. Identifiers: MedGen CN377758, MONDO:0700269.
Hereditary cancer-predisposing syndrome. Also called: Hereditary Cancer Syndrome; Hereditary neoplastic syndrome; Neoplastic Syndromes, Hereditary; Tumor predisposition. Identifiers: Orphanet 140162, MedGen C0027672, MeSH D009386, MONDO:0015356.

gnomAD v4.1: 2 of 1,614,108 alleles (0.00012%); highest among the groups gnomAD compares: Non-Finnish European, 0.00017%; no homozygotes.

Submissions (3):

Ambry Genetics
Classification: Likely benign for Hereditary cancer-predisposing syndrome. Last evaluated: 2025-05-16. Review status: criteria provided, single submitter. Criteria: Ambry Variant Classification Scheme 2023. Collection method: clinical testing. Allele origin: germline.

Labcorp Genetics (formerly Invitae), Labcorp
Classification: Uncertain significance for Hereditary breast ovarian cancer syndrome. Last evaluated: 2021-04-12. Review status: criteria provided, single submitter. Criteria: Invitae Variant Classification Sherloc (09022015). Collection method: clinical testing. Allele origin: germline.
Comment: This sequence change replaces threonine with arginine at codon 2891 of the BRCA2 protein (p.Thr2891Arg). The threonine residue is moderately conserved and there is a moderate physicochemical difference between threonine and arginine. In summary, this variant has uncertain impact on BRCA2 function. The available evidence is currently insufficient to determine its role in disease. Therefore, it has been classified as a Variant of Uncertain Significance. Algorithms developed to predict the effect of sequence changes on RNA splicing suggest that this variant may create or strengthen a splice site, but this prediction has not been confirmed by published transcriptional studies. Algorithms developed to predict the effect of missense changes on protein structure and function do not agree on the potential impact of this missense change (SIFT: "Tolerated"; PolyPhen-2: "Possibly Damaging"; Align-GVGD: "Class C0"). This variant has not been reported in the literature in individuals with a BRCA2-related disease. This variant is not present in population databases (ExAC no frequency).

Department of Pathology and Laboratory Medicine, Sinai Health System
Classification: Uncertain significance for BRCA2-related cancer predisposition. Last evaluated: 2020-12-17. Review status: criteria provided, single submitter. Criteria: ACMG Guidelines, 2015. Collection method: clinical testing. Allele origin: germline.

NM_000059.4(BRCA2):c.8672C>G (p.Thr2891Arg)

Gene: BRCA2 (BRCA2 DNA repair associated; plus strand). Cytogenetic location: 13q13.1.
Variant type: single nucleotide variant.
Coding change: c.8672C>G on transcript NM_000059.4 (MANE Select); coding-DNA position 8672, C replaced by G.
Protein change: p.Thr2891Arg; replaces threonine 2891 with arginine.
Molecular consequence: missense variant.
Genome position (GRCh38, 1-based): chr13:32,376,709, C>G. VCF-style: chr13-32376709-C-G. GRCh37 (hg19) VCF-style: chr13-32950846-C-G.
Other names: short protein forms T2891R.
Identifiers: ClinVar variation 462490 (VCV000462490.20), dbSNP rs1401510742, ClinGen allele CA387754747.